The following is an entry in ClinVar:

ClinVar aggregate classification (germline): Likely benign. Review status: criteria provided, multiple submitters, no conflicts (2 of 4 stars). 3 submissions from 3 submitters: Likely benign (3). Last evaluated 2025-09-08.

Conditions:
Dyskeratosis congenita, autosomal dominant 2. Identifiers: MedGen C3151443, MONDO:0013521, OMIM 613989.
Idiopathic Pulmonary Fibrosis. Also called: Idiopathic fibrosing alveolitis, chronic form; idiopathic fibrosing alveolitis. Identifiers: Orphanet 2032, MedGen C1800706, MeSH D054990, MONDO:0800504.
Dyskeratosis congenita. Identifiers: Orphanet 1775, MedGen C0265965, MONDO:0015780.

Allele frequency attached by ClinVar (database versions not stated): gnomAD exomes below 0.00001; TOPMed below 0.00001.

Submissions (3):

Labcorp Genetics (formerly Invitae), Labcorp
Classification: Likely benign for Dyskeratosis congenita, autosomal dominant 2; Idiopathic Pulmonary Fibrosis. Last evaluated: 2025-09-08. Review status: criteria provided, single submitter. Criteria: Invitae Variant Classification Sherloc (09022015). Collection method: clinical testing. Allele origin: germline.

CeGaT Center for Human Genetics Tuebingen
Classification: Likely benign. Last evaluated: 2023-09-01. Review status: criteria provided, single submitter. Criteria: CeGaT Center For Human Genetics Tuebingen Variant Classification Criteria Version 2. Collection method: clinical testing. Allele origin: germline. Affected: yes. Observed: 1 variant allele.
Comment: TERT: PM2:Supporting, BP4, BP7

Ambry Genetics
Classification: Likely benign for Dyskeratosis congenita. Last evaluated: 2022-07-10. Review status: criteria provided, single submitter. Criteria: Ambry Variant Classification Scheme 2023. Collection method: clinical testing. Allele origin: germline.

NM_198253.3(TERT):c.1713C>T (p.Asn571=)

Gene: TERT (telomerase reverse transcriptase; minus strand). Cytogenetic location: 5p15.33.
Variant type: single nucleotide variant.
Coding change: c.1713C>T on transcript NM_198253.3 (MANE Select); coding-DNA position 1713, C replaced by T.
Protein change: p.Asn571=; no amino-acid change (asparagine 571 retained).
Molecular consequence: synonymous variant. On other transcripts: non-coding transcript variant (2).
Genome position (GRCh38, 1-based): chr5:1,282,485, G>A on the plus strand (C>T on the coding strand, the complement: TERT is on the minus strand). VCF-style: chr5-1282485-G-A. GRCh37 (hg19) VCF-style: chr5-1282600-G-A.
Other names: c.1713C>T, p.Asn571= (NM_001193376.3).
Identifiers: ClinVar variation 1155890 (VCV001155890.34), dbSNP rs1750089799, ClinGen allele CA443025979.